The following is an entry in ClinVar:

ClinVar aggregate classification (germline): Benign. Review status: criteria provided, multiple submitters, no conflicts (2 of 4 stars). 2 submissions from 2 submitters: Benign (2). Last evaluated 2016-03-29.

Allele frequency attached by ClinVar (database versions not stated): gnomAD exomes 0.17676 and 0.21787; ExAC 0.23819; gnomAD 0.30924 and 0.31582; TOPMed 0.32664; ESP Exome Variant Server 0.33302; 1000 Genomes Project 0.35099; 1000 Genomes Project 30x 0.35650.
gnomAD v4.1: 221,987 of 1,169,836 alleles (19%); highest among the groups gnomAD compares: African/African-American, 65%; 19,938 homozygotes.

Submissions (2):

Laboratory for Molecular Medicine, Mass General Brigham Personalized Medicine
Classification: Benign. Last evaluated: 2016-03-29. Review status: criteria provided, single submitter. Criteria: LMM Criteria. Collection method: clinical testing. Allele origin: germline.
Comment: Variant identified in a genome or exome case(s) and assessed due to predicted null impact of the variant or pathogenic assertions in the literature or databases. Disclaimer: This variant has not undergone full assessment. The following are preliminary notes: Frequency

Breakthrough Genomics
Classification: Benign. Review status: criteria provided, single submitter. Criteria: ACMG Guidelines, 2015. Collection method: not provided. Allele origin: germline. Inheritance: Unknown mechanism. Affected: yes.

NM_006520.3(DYNLT3):c.183C>T (p.Ala61=)

Gene: DYNLT3 (dynein light chain Tctex-type 3; minus strand). Cytogenetic location: Xp11.4.
Variant type: single nucleotide variant.
Coding change: c.183C>T on transcript NM_006520.3 (MANE Select); coding-DNA position 183, C replaced by T.
Protein change: p.Ala61=; no amino-acid change (alanine 61 retained).
Molecular consequence: synonymous variant.
Genome position (GRCh38, 1-based): chrX:37,841,795, G>A on the plus strand (C>T on the coding strand, the complement: DYNLT3 is on the minus strand). VCF-style: chrX-37841795-G-A. GRCh37 (hg19) VCF-style: chrX-37701048-G-A.
Identifiers: ClinVar variation 402816 (VCV000402816.5), dbSNP rs11771, ClinGen allele CA10384016.